The following is an entry in ClinVar:

ClinVar aggregate classification (germline): Conflicting classifications of pathogenicity. Review status: criteria provided, conflicting classifications (1 of 4 stars). 4 submissions from 4 submitters: Likely pathogenic (2); Uncertain significance (2). Last evaluated 2026-08-30.

Conditions:
Sucrase-isomaltase deficiency (CSID). Also called: SI DEFICIENCY; Congenital sucrose isomaltose malabsorption; Sucrose isomaltose enzyme deficiency; Deficiency of isomaltase. Identifiers: Orphanet 35122, MedGen C1283620, MONDO:0009114, OMIM 222900.

Allele frequency attached by ClinVar (database versions not stated): gnomAD exomes 0.00034 and 0.00026; gnomAD 0.00033 and 0.00034; TOPMed 0.00022; ESP Exome Variant Server 0.00038; ExAC 0.00028.
gnomAD v4.1: 543 of 1,613,426 alleles (0.034%); highest among the groups gnomAD compares: Non-Finnish European, 0.042%; no homozygotes.

Submissions (4):

GeneDx
Classification: Uncertain significance. Last evaluated: 2026-08-30. Review status: criteria provided, single submitter. Criteria: GeneDx Variant Classification Process June 2021. Collection method: clinical testing. Allele origin: germline.
Comment: Published functional studies suggest this variant is associated with abnormal cellular localization and reduced enzyme activity (PMID: 32039448); Identified in at least one patient with irritable bowel syndrome with diarrhea in published literature (PMID: 29408290); In silico analysis supports that this missense variant has a deleterious effect on protein structure/function; This variant is associated with the following publications: (PMID: 36878682, 31557950, 34926337, 27749612, Irlayc2024[Article], 32732636, 16329100, 29408290, 32039448)

Labcorp Genetics (formerly Invitae), Labcorp
Classification: Likely pathogenic. Last evaluated: 2026-01-07. Review status: criteria provided, single submitter. Criteria: Invitae Variant Classification Sherloc (09022015). Collection method: clinical testing. Allele origin: germline.
Comment: This sequence change replaces arginine, which is basic and polar, with glycine, which is neutral and non-polar, at codon 1367 of the SI protein (p.Arg1367Gly). This variant is present in population databases (rs143388292, gnomAD 0.05%). This missense change has been observed in individual(s) with sucrase-isomaltase deficiency and irritable bowel syndrome (PMID: 16329100, 29408290, 32732636). ClinVar contains an entry for this variant (Variation ID: 344017). Invitae Evidence Modeling of protein sequence and biophysical properties (such as structural, functional, and spatial information, amino acid conservation, physicochemical variation, residue mobility, and thermodynamic stability) has been performed for this missense variant. However, the output from this modeling did not meet the statistical confidence thresholds required to predict the impact of this variant on SI protein function. In summary, the currently available evidence indicates that the variant is pathogenic, but additional data are needed to prove that conclusively. Therefore, this variant has been classified as Likely Pathogenic.

Mayo Clinic Laboratories, Mayo Clinic
Classification: Uncertain significance. Last evaluated: 2025-05-08. Review status: criteria provided, single submitter. Criteria: ACMG Guidelines, 2015. Collection method: clinical testing. Allele origin: germline. Observed: 1 variant allele.
Comment: PP4, PM3

Fulgent Genetics
Classification: Likely pathogenic for Sucrase-isomaltase deficiency. Last evaluated: 2021-06-30. Review status: criteria provided, single submitter. Criteria: ACMG Guidelines, 2015. Collection method: clinical testing. Allele origin: unknown.
Comment: This variant has been detected in individual(s) who were sent for testing of Renasight - kidney gene panel.

Literature cited by the submitters: PubMed 16329100 (cited by Labcorp Genetics (formerly Invitae), Labcorp and Mayo Clinic Laboratories, Mayo Clinic); PubMed 29408290 (cited by Labcorp Genetics (formerly Invitae), Labcorp and Mayo Clinic Laboratories, Mayo Clinic); PubMed 32732636 (cited by Labcorp Genetics (formerly Invitae), Labcorp and Mayo Clinic Laboratories, Mayo Clinic); PubMed 27749612 (cited by Mayo Clinic Laboratories, Mayo Clinic); PubMed 31557950 (cited by Mayo Clinic Laboratories, Mayo Clinic); PubMed 34926337 (cited by Mayo Clinic Laboratories, Mayo Clinic); PubMed 36878682 (cited by Mayo Clinic Laboratories, Mayo Clinic).

NM_001041.4(SI):c.4099A>G (p.Arg1367Gly)

Gene: SI (sucrase-isomaltase; minus strand). Cytogenetic location: 3q26.1.
Variant type: single nucleotide variant.
Coding change: c.4099A>G on transcript NM_001041.4 (MANE Select); coding-DNA position 4099, A replaced by G.
Protein change: p.Arg1367Gly; replaces arginine 1367 with glycine.
Molecular consequence: missense variant.
Genome position (GRCh38, 1-based): chr3:165,009,359, T>C on the plus strand (A>G on the coding strand, the complement: SI is on the minus strand). VCF-style: chr3-165009359-T-C. GRCh37 (hg19) VCF-style: chr3-164727147-T-C.
Other names: short protein forms R1367G.
Identifiers: ClinVar variation 344017 (VCV000344017.16), dbSNP rs143388292, ClinGen allele CA2690007.